The following is an entry in ClinVar:

NM_021930.6(RINT1):c.307A>T (p.Ile103Phe)

Gene: RINT1 (RAD50 interactor 1; plus strand). Cytogenetic location: 7q22.3.
Variant type: single nucleotide variant.
Coding change: c.307A>T on transcript NM_021930.6 (MANE Select); coding-DNA position 307, A replaced by T.
Protein change: p.Ile103Phe; replaces isoleucine 103 with phenylalanine.
Molecular consequence: missense variant. On other transcripts: 5 prime UTR variant (3), non-coding transcript variant (1).
Genome position (GRCh38, 1-based): chr7:105,542,441, A>T. VCF-style: chr7-105542441-A-T. GRCh37 (hg19) VCF-style: chr7-105182888-A-T.
Other names: c.73A>T, p.Ile25Phe (NM_001346599.2); c.-713A>T (NM_001346600.2); c.-616A>T (NM_001346601.2); c.-236A>T (NM_001346603.2); short protein forms I103F, I25F.
Identifiers: ClinVar variation 3227652 (VCV003227652.1), dbSNP rs2485112356, ClinGen allele CA368802900.

ClinVar aggregate classification (germline): Uncertain significance (1 of 4 stars; one submission).

Submission:

Ambry Genetics
Classification: Uncertain significance. Last evaluated: 2024-01-09. Review status: criteria provided, single submitter. Criteria: Ambry Variant Classification Scheme 2023. Collection method: clinical testing. Allele origin: germline.
Comment: The p.I103F variant (also known as c.307A>T), located in coding exon 4 of the RINT1 gene, results from an A to T substitution at nucleotide position 307. The isoleucine at codon 103 is replaced by phenylalanine, an amino acid with highly similar properties. This amino acid position is conserved. In addition, this alteration is predicted to be tolerated by in silico analysis. Since supporting evidence is limited at this time, the clinical significance of this alteration remains unclear.